The following is an entry in ClinVar:

ClinVar aggregate classification (germline): Uncertain significance (1 of 4 stars; one submission).

Conditions:
Progressive microcephaly-seizures-cortical blindness-developmental delay syndrome. Also called: Seizures, cortical blindness, and microcephaly syndrome. Identifiers: Orphanet 477814, MedGen C5567650, MONDO:0014714, OMIM 616632.
Autosomal dominant nonsyndromic hearing loss 1. Also called: KONIGSMARK SYNDROME; DEAFNESS, AUTOSOMAL DOMINANT 1, WITH OR WITHOUT THROMBOCYTOPENIA. Identifiers: Orphanet 90635, MedGen C1852282, MONDO:0007424, OMIM 124900.

Submission:

Labcorp Genetics (formerly Invitae), Labcorp
Classification: Uncertain significance for Progressive microcephaly-seizures-cortical blindness-developmental delay syndrome; Autosomal dominant nonsyndromic hearing loss 1. Last evaluated: 2023-06-23. Review status: criteria provided, single submitter. Criteria: Invitae Variant Classification Sherloc (09022015). Collection method: clinical testing. Allele origin: germline.
Comment: This sequence change replaces threonine, which is neutral and polar, with asparagine, which is neutral and polar, at codon 637 of the DIAPH1 protein (p.Thr637Asn). This variant is not present in population databases (gnomAD no frequency). This variant has not been reported in the literature in individuals affected with DIAPH1-related conditions. Experimental studies and prediction algorithms are not available or were not evaluated, and the functional significance of this variant is currently unknown. Algorithms developed to predict the effect of sequence changes on RNA splicing suggest that this variant may create or strengthen a splice site. In summary, the available evidence is currently insufficient to determine the role of this variant in disease. Therefore, it has been classified as a Variant of Uncertain Significance.

NM_005219.5(DIAPH1):c.1910C>A (p.Thr637Asn)

Gene: DIAPH1 (diaphanous related formin 1; minus strand). Cytogenetic location: 5q31.3.
Variant type: single nucleotide variant.
Coding change: c.1910C>A on transcript NM_005219.5 (MANE Select); coding-DNA position 1910, C replaced by A.
Protein change: p.Thr637Asn; replaces threonine 637 with asparagine.
Molecular consequence: missense variant.
Genome position (GRCh38, 1-based): chr5:141,573,940, G>T on the plus strand (C>A on the coding strand, the complement: DIAPH1 is on the minus strand). VCF-style: chr5-141573940-G-T. GRCh37 (hg19) VCF-style: chr5-140953507-G-T.
Other names: c.1883C>A, p.Thr628Asn (NM_001079812.3); c.1910C>A, p.Thr637Asn (NM_001314007.2); short protein forms T637N, T628N.
Identifiers: ClinVar variation 2949210 (VCV002949210.3), dbSNP rs2513740995, ClinGen allele CA361520114.